The following is an entry in ClinVar:

ClinVar aggregate classification (germline): Likely pathogenic (1 of 4 stars; one submission).

Conditions:
Hyperammonemic encephalopathy due to carbonic anhydrase VA deficiency. Also called: Carbonic anhydrase VA deficiency, hyperammonemia due to; Carbonic Anhydrase VA Deficiency. Identifiers: Orphanet 401948, MedGen C4706871, MONDO:0014332, OMIM 615751.

Submission:

Lifecell International Pvt. Ltd
Classification: Likely pathogenic for Hyperammonemic encephalopathy due to carbonic anhydrase VA deficiency. Review status: criteria provided, single submitter. Criteria: ACMG Guidelines, 2015. Collection method: clinical testing. Allele origin: germline. Inheritance: Autosomal recessive inheritance. Affected: yes. Observed: 1 compound heterozygote.
Comment: A Heterozygous Intron, Splice site donor variant c.618+1G>T in Exon 5 of the CA5A gene that results in the amino acid substitution was identified. The observed variant his novel in gnomAD exomes and genomes, respectively. The severity of the impact of this variant on the protein is high, based on the effect of the protein and REVEL score . Rare Exome Variant Ensemble Learner (REVEL) is an ensembl method for predicting the pathogenicity of missense variants based on a combination of scores from 13 individual tools: MutPred, FATHMM v2.3, VEST 3.0, PolyPhen-2, SIFT, PROVEAN, MutationAssessor, MutationTaster, LRT, GERP++, SiPhy, phyloP, and phastCons. The REVEL score for an individual missense variant can range from 0 to 1, with higher scores reflecting greater likelihood that the variant is disease-causing. Based on the above evidence this variant has been classified as Likely Pathogenic according to the ACMG guidelines.

NM_001739.2(CA5A):c.618+1G>T

Gene: CA5A (carbonic anhydrase 5A; minus strand). Cytogenetic location: 16q24.2.
Variant type: single nucleotide variant.
Coding change: c.618+1G>T on transcript NM_001739.2 (MANE Select); the canonical splice donor site of the intron after coding-DNA position 618, G replaced by T.
Molecular consequence: splice donor variant.
Genome position (GRCh38, 1-based): chr16:87,901,911, C>A on the plus strand (G>T on the coding strand, the complement: CA5A is on the minus strand). VCF-style: chr16-87901911-C-A. GRCh37 (hg19) VCF-style: chr16-87935517-C-A.
Other names: c.618+1G>T (NM_001367225.1).
Identifiers: ClinVar variation 2503796 (VCV002503796.1), dbSNP rs1232431574, ClinGen allele CA397040843.